The following is an entry in ClinVar:

ClinVar aggregate classification (germline): Pathogenic (1 of 4 stars; one submission).

Conditions:
Primary ciliary dyskinesia. Also called: Ciliary dyskinesia. Identifiers: Orphanet 244, MedGen C0008780, MONDO:0016575, HP:0012265.

Submission:

Labcorp Genetics (formerly Invitae), Labcorp
Classification: Pathogenic for Primary ciliary dyskinesia. Last evaluated: 2023-05-19. Review status: criteria provided, single submitter. Criteria: Invitae Variant Classification Sherloc (09022015). Collection method: clinical testing. Allele origin: germline.
Comment: This variant has not been reported in the literature in individuals affected with DNAI2-related conditions. For these reasons, this variant has been classified as Pathogenic. This variant is not present in population databases (gnomAD no frequency). This sequence change creates a premature translational stop signal (p.Pro483Leufs*13) in the DNAI2 gene. It is expected to result in an absent or disrupted protein product. Loss-of-function variants in DNAI2 are known to be pathogenic (PMID: 18950741, 23891469).

Literature cited by the submitters: PubMed 18950741; PubMed 23891469.

NM_023036.6(DNAI2):c.1448del (p.Pro483fs)

Gene: DNAI2 (dynein axonemal intermediate chain 2; plus strand). Cytogenetic location: 17q25.1.
Variant type: Deletion.
Coding change: c.1448del on transcript NM_023036.6 (MANE Select); coding-DNA position 1448, one base deleted (C; older notation c.1448delC).
Protein change: p.Pro483fs; shifts the reading frame from proline 483.
Molecular consequence: frameshift variant. On other transcripts: non-coding transcript variant (1).
Genome position (GRCh38, 1-based): chr17:74,310,117, C deleted; the last of 2 consecutive C bases (chr17:74,310,116-74,310,117); deleting either gives the same sequence. VCF-style (leftmost placement, unchanged base first): chr17-74310115-GC-G. GRCh37 (hg19) VCF-style: chr17-72306254-GC-G.
Other names: c.1412del, p.Pro471fs (NM_001172810.3); c.1448del, p.Pro483fs (NM_001353167.2); short protein forms P471fs, P483fs.
Identifiers: ClinVar variation 2864272 (VCV002864272.3), dbSNP rs2509766818, ClinGen allele CA2739268354.